The following is an entry in ClinVar:

ClinVar aggregate classification (germline): Uncertain significance (1 of 4 stars; one submission).

Conditions:
Hereditary cancer-predisposing syndrome. Also called: Neoplastic Syndromes, Hereditary; Tumor predisposition; Hereditary Cancer Syndrome; Hereditary neoplastic syndrome. Identifiers: Orphanet 140162, MedGen C0027672, MeSH D009386, MONDO:0015356.

Allele frequency attached by ClinVar (database versions not stated): gnomAD exomes below 0.00001; ExAC 0.00001.
gnomAD v4.1: 1 of 1,614,198 alleles (0.000062%); highest among the groups gnomAD compares: South Asian, 0.0011%; no homozygotes.

Submission:

Ambry Genetics
Classification: Uncertain significance for Hereditary cancer-predisposing syndrome. Last evaluated: 2020-06-02. Review status: criteria provided, single submitter. Criteria: Ambry Variant Classification Scheme 2023. Collection method: clinical testing. Allele origin: germline.
Comment: The p.S6N variant (also known as c.17G>A), located in coding exon 1 of the CDC73 gene, results from a G to A substitution at nucleotide position 17. The serine at codon 6 is replaced by asparagine, an amino acid with highly similar properties. This amino acid position is highly conserved in available vertebrate species. In addition, the in silico prediction for this alteration is inconclusive. Since supporting evidence is limited at this time, the clinical significance of this alteration remains unclear.

NM_024529.5(CDC73):c.17G>A (p.Ser6Asn)

Gene: CDC73 (cell division cycle 73; plus strand). Cytogenetic location: 1q31.2.
Variant type: single nucleotide variant.
Coding change: c.17G>A on transcript NM_024529.5 (MANE Select); coding-DNA position 17, G replaced by A.
Protein change: p.Ser6Asn; replaces serine 6 with asparagine.
Molecular consequence: missense variant.
Genome position (GRCh38, 1-based): chr1:193,122,217, G>A. VCF-style: chr1-193122217-G-A. GRCh37 (hg19) VCF-style: chr1-193091347-G-A.
Other names: short protein forms S6N.
Identifiers: ClinVar variation 1780370 (VCV001780370.2), dbSNP rs775940851, ClinGen allele CA1303240.